The following is an entry in ClinVar:

ClinVar aggregate classification (germline): Uncertain significance (1 of 4 stars; one submission).

Conditions:
Neurodevelopmental disorder with hypotonia, stereotypic hand movements, and impaired language. Also called: Intellectual disability, autosomal dominant 20. Identifiers: Orphanet 228384, Orphanet 664410, MedGen C3150700, MONDO:0013266, OMIM 613443.

Submission:

3billion
Classification: Uncertain significance for Neurodevelopmental disorder with hypotonia, stereotypic hand movements, and impaired language. Last evaluated: 2024-01-11. Review status: criteria provided, single submitter. Criteria: ACMG Guidelines, 2015. Collection method: clinical testing. Allele origin: germline. Affected: yes.
Comment: The variant is not observed in the gnomAD v2.1.1 dataset. Predicted Consequence/Location: Missense changes are a common disease-causing mechanism. In silico tool predictions suggest damaging effect of the variant on gene or gene product [REVEL: 0.94 (>=0.6, sensitivity 0.68 and specificity 0.92); 3Cnet: 0.98 (>=0.6, sensitivity 0.72 and precision 0.9)]. Therefore, this variant is classified as VUS according to the recommendation of ACMG/AMP guideline.

NM_002397.5(MEF2C):c.161T>C (p.Leu54Pro)

Gene: MEF2C (myocyte enhancer factor 2C; minus strand). Cytogenetic location: 5q14.3.
Variant type: single nucleotide variant.
Coding change: c.161T>C on transcript NM_002397.5 (MANE Select); coding-DNA position 161, T replaced by C.
Protein change: p.Leu54Pro; replaces leucine 54 with proline.
Molecular consequence: missense variant.
Genome position (GRCh38, 1-based): chr5:88,804,695, A>G on the plus strand (T>C on the coding strand, the complement: MEF2C is on the minus strand). VCF-style: chr5-88804695-A-G. GRCh37 (hg19) VCF-style: chr5-88100512-A-G.
Other names: c.161T>C, p.Leu54Pro (NM_001131005.2, NM_001193347.1, NM_001193348.1 and 29 more transcripts); short protein forms L54P.
Identifiers: ClinVar variation 3775889 (VCV003775889.1).